The following is an entry in ClinVar:

ClinVar aggregate classification (germline): Likely pathogenic (1 of 4 stars; one submission).

Conditions:
Dilated cardiomyopathy 1G (CMD1G). Identifiers: Orphanet 154, MedGen C1858763, MONDO:0011400, OMIM 604145.
Autosomal recessive limb-girdle muscular dystrophy type 2J (LGMDR10). Also called: Limb-girdle muscular dystrophy, type 2J; MUSCULAR DYSTROPHY, LIMB-GIRDLE, AUTOSOMAL RECESSIVE 10. Identifiers: Orphanet 140922, MedGen C1837342, MONDO:0012127, OMIM 608807.

Submission:

Labcorp Genetics (formerly Invitae), Labcorp
Classification: Likely pathogenic for Dilated cardiomyopathy 1G; Autosomal recessive limb-girdle muscular dystrophy type 2J. Last evaluated: 2022-04-11. Review status: criteria provided, single submitter. Criteria: Invitae Variant Classification Sherloc (09022015). Collection method: clinical testing. Allele origin: germline.
Comment: In summary, the currently available evidence indicates that the variant is pathogenic, but additional data are needed to prove that conclusively. Therefore, this variant has been classified as Likely Pathogenic. This variant is located in the A band of TTN (PMID: 25589632). Truncating variants in this region are significantly overrepresented in patients affected with dilated cardiomyopathy (PMID: 25589632). Truncating variants in this region have also been reported in individuals affected with autosomal recessive centronuclear myopathy (PMID: 23975875). This variant has not been reported in the literature in individuals affected with TTN-related conditions. This variant is not present in population databases (gnomAD no frequency). This sequence change creates a premature translational stop signal (p.Pro28155Glnfs*19) in the TTN gene. While this is not anticipated to result in nonsense mediated decay, it is expected to create a truncated TTN protein.

Literature cited by the submitters: PubMed 25589632; PubMed 23975875.

NM_001267550.2(TTN):c.84464del (p.Pro28155fs)

Genes: TTN (titin; minus strand), TTN-AS1 (TTN antisense RNA 1; plus strand). Cytogenetic location: 2q31.2.
Variant type: Deletion.
Coding change: c.84464del on transcript NM_001267550.2 (MANE Select); coding-DNA position 84464, one base deleted (C; older notation c.84464delC).
Protein change: p.Pro28155fs; shifts the reading frame from proline 28155.
Molecular consequence: frameshift variant.
Genome position (GRCh38, 1-based): chr2:178,561,668, G deleted on the plus strand (C on the coding strand, the reverse complement: TTN is on the minus strand); the first of 5 consecutive G bases (chr2:178,561,668-178,561,672); deleting any one gives the same sequence. VCF-style (leftmost placement, unchanged base first): chr2-178561667-TG-T. GRCh37 (hg19) VCF-style: chr2-179426394-TG-T.
Other names: c.79541del, p.Pro26514fs (NM_001256850.1); c.57269del, p.Pro19090fs (NM_003319.4); c.76760del, p.Pro25587fs (NM_133378.4); c.57644del, p.Pro19215fs (NM_133432.3); c.57845del, p.Pro19282fs (NM_133437.4); short protein forms P19090fs, P25587fs, P26514fs, P19215fs, P19282fs, P28155fs.
Identifiers: ClinVar variation 2124854 (VCV002124854.4), dbSNP rs2469700370, ClinGen allele CA2580064905.